The following is an entry in ClinVar:

NM_020436.5(SALL4):c.2241_2248delinsTT (p.Ser748_Glu750delinsTer)

Gene: SALL4 (spalt like transcription factor 4; minus strand). Cytogenetic location: 20q13.2.
Variant type: Indel.
Coding change: c.2241_2248delinsTT on transcript NM_020436.5 (MANE Select); coding-DNA positions 2241 to 2248, CAGCAGAG replaced by TT.
Protein change: p.Ser748_Glu750delinsTer.
Molecular consequence: nonsense. On other transcripts: intron variant (1).
Genome position (GRCh38, 1-based): chr20:51,790,235-51,790,242, CTCTGCTG replaced by AA on the plus strand (CAGCAGAG replaced by TT on the coding strand, the reverse complement: SALL4 is on the minus strand). VCF-style: chr20-51790235-CTCTGCTG-AA. GRCh37 (hg19) VCF-style: chr20-50406774-CTCTGCTG-AA.
Other names: c.1150+1091_1151-1094delinsTT (NM_001318031.2).
Identifiers: ClinVar variation 3347440 (VCV003347440.1).

ClinVar aggregate classification (germline): Pathogenic (0 of 4 stars; one submission).

Conditions:
SALL4-Related Disorders. Also called: SALL4-related condition; SALL4-related disorder. Identifiers: MedGen CN381056.

Submission:

PreventionGenetics, part of Exact Sciences
Classification: Pathogenic for SALL4-related condition. Last evaluated: 2024-08-24. Review status: no assertion criteria provided. Collection method: clinical testing. Allele origin: germline.
Comment: The SALL4 c.2241_2248delinsTT variant is predicted to result in premature protein termination (p.Ser748*). To our knowledge, this variant has not been reported in the literature or in a large population database, indicating this variant is rare. Nonsense variants in SALL4 are expected to be pathogenic. This variant is interpreted as pathogenic.